The following is an entry in ClinVar:

ClinVar aggregate classification (germline): Uncertain significance (1 of 4 stars; one submission).

Conditions:
Cardiovascular phenotype. Identifiers: MedGen CN230736.
Hereditary cancer-predisposing syndrome. Also called: Hereditary Cancer Syndrome; Hereditary neoplastic syndrome; Neoplastic Syndromes, Hereditary; Tumor predisposition. Identifiers: Orphanet 140162, MedGen C0027672, MeSH D009386, MONDO:0015356.

Submission:

Ambry Genetics
Classification: Uncertain significance for Cardiovascular phenotype; Hereditary cancer-predisposing syndrome. Last evaluated: 2022-08-29. Review status: criteria provided, single submitter. Criteria: Ambry Variant Classification Scheme 2023. Collection method: clinical testing. Allele origin: germline.
Comment: The p.D444E variant (also known as c.1332C>G), located in coding exon 12 of the LZTR1 gene, results from a C to G substitution at nucleotide position 1332. The aspartic acid at codon 444 is replaced by glutamic acid, an amino acid with highly similar properties. This amino acid position is conserved. In addition, this alteration is predicted to be deleterious by in silico analysis. Since supporting evidence is limited at this time, the clinical significance of this alteration remains unclear.

NM_006767.4(LZTR1):c.1332C>G (p.Asp444Glu)

Gene: LZTR1 (leucine zipper like post translational regulator 1; plus strand). Cytogenetic location: 22q11.21.
Variant type: single nucleotide variant.
Coding change: c.1332C>G on transcript NM_006767.4 (MANE Select); coding-DNA position 1332, C replaced by G.
Protein change: p.Asp444Glu; replaces aspartic acid 444 with glutamic acid.
Molecular consequence: missense variant.
Genome position (GRCh38, 1-based): chr22:20,993,733, C>G. VCF-style: chr22-20993733-C-G. GRCh37 (hg19) VCF-style: chr22-21348022-C-G.
Other names: short protein forms D444E.
Identifiers: ClinVar variation 1770169 (VCV001770169.2), dbSNP rs373226374, ClinGen allele CA410774637.